The following is an entry in ClinVar:

ClinVar aggregate classification (germline): Likely benign. Review status: criteria provided, multiple submitters, no conflicts (2 of 4 stars). 3 submissions from 3 submitters: Likely benign (3). Last evaluated 2026-05-12.

Conditions:
Juvenile myelomonocytic leukemia (JMML). Also called: LEUKEMIA, JUVENILE MYELOMONOCYTIC, SOMATIC. Identifiers: Orphanet 86834, MedGen C0349639, MONDO:0011908, OMIM 607785, HP:0012209.
Neurofibromatosis-Noonan syndrome (NFNS). Also called: NEUROFIBROMATOSIS WITH NOONAN PHENOTYPE. Identifiers: Orphanet 638, MedGen C2931482, MONDO:0011035, OMIM 601321. Disease mechanism: loss of function.
Neurofibromatosis, familial spinal (FSNF). Identifiers: Orphanet 636, MedGen C1834235, MONDO:0008078, OMIM 162210. Disease mechanism: loss of function.
Neurofibromatosis, type 1 (NF1). Also called: VON RECKLINGHAUSEN DISEASE; Neurofibromatosis, type I; NEUROFIBROMATOSIS, TYPE I, SOMATIC; Peripheral type neurofibromatosis. Identifiers: Orphanet 636, MedGen C0027831, MONDO:0018975, OMIM 162200. Disease mechanism: loss of function.
Café-au-lait macules with pulmonary stenosis (WTSN). Also called: PULMONIC STENOSIS WITH CAFE-AU-LAIT SPOTS. Identifiers: MedGen C0553586, MONDO:0008672, OMIM 193520.

Allele frequency attached by ClinVar (database versions not stated): gnomAD exomes below 0.00001.
gnomAD v4.1: 2 of 1,613,180 alleles (0.00012%); highest among the groups gnomAD compares: African/African-American, 0.0027%; no homozygotes.

Submissions (3):

Myriad Genetics, Inc.
Classification: Likely benign for Neurofibromatosis, type 1. Last evaluated: 2026-05-12. Review status: criteria provided, single submitter. Criteria: Myriad Autosomal Dominant, Autosomal Recessive and X-Linked Classification Criteria (2023). Collection method: clinical testing. Allele origin: unknown.
Comment: This variant is considered likely benign. This variant is intronic and is not expected to impact mRNA splicing.

Labcorp Genetics (formerly Invitae), Labcorp
Classification: Likely benign for Neurofibromatosis, type 1. Last evaluated: 2026-01-06. Review status: criteria provided, single submitter. Criteria: Invitae Variant Classification Sherloc (09022015). Collection method: clinical testing. Allele origin: germline.

Fulgent Genetics
Classification: Likely benign for Neurofibromatosis, type 1; Neurofibromatosis, familial spinal; Café-au-lait macules with pulmonary stenosis; Neurofibromatosis-Noonan syndrome; Juvenile myelomonocytic leukemia. Last evaluated: 2021-07-20. Review status: criteria provided, single submitter. Criteria: ACMG Guidelines, 2015. Collection method: clinical testing. Allele origin: unknown.

NM_001042492.3(NF1):c.2252-18G>C

Gene: NF1 (neurofibromin 1; plus strand). Cytogenetic location: 17q11.2.
Variant type: single nucleotide variant.
Coding change: c.2252-18G>C on transcript NM_001042492.3 (MANE Select); 18 bases into the intron before coding-DNA position 2252, G replaced by C.
Molecular consequence: intron variant.
Genome position (GRCh38, 1-based): chr17:31,227,200, G>C. VCF-style: chr17-31227200-G-C. GRCh37 (hg19) VCF-style: chr17-29554218-G-C.
Other names: c.2252-18G>C (NM_000267.4).
Identifiers: ClinVar variation 1603859 (VCV001603859.10), dbSNP rs754583248, ClinGen allele CA728046309.